The following is an entry in ClinVar:

ClinVar aggregate classification (germline): Pathogenic (1 of 4 stars; one submission).

Submission:

Labcorp Genetics (formerly Invitae), Labcorp
Classification: Pathogenic. Last evaluated: 2025-11-16. Review status: criteria provided, single submitter. Criteria: Invitae Variant Classification Sherloc (09022015). Collection method: clinical testing. Allele origin: germline.
Comment: This sequence change creates a premature translational stop signal (p.Glu479*) in the ADGRV1 gene. It is expected to result in an absent or disrupted protein product. Loss-of-function variants in ADGRV1 are known to be pathogenic (PMID: 19357117, 22135276, 22147658, 26226137, 30718709, 31047384, 32467589). This variant is not present in population databases (gnomAD no frequency). This variant has not been reported in the literature in individuals affected with ADGRV1-related conditions. For these reasons, this variant has been classified as Pathogenic.

Literature cited by the submitters: PubMed 19357117; PubMed 22135276; PubMed 22147658; PubMed 26226137; PubMed 30718709; PubMed 31047384; PubMed 32467589.

NM_032119.4(ADGRV1):c.1435G>T (p.Glu479Ter)

Gene: ADGRV1 (adhesion G protein-coupled receptor V1; plus strand). Cytogenetic location: 5q14.3.
Variant type: single nucleotide variant.
Coding change: c.1435G>T on transcript NM_032119.4 (MANE Select); coding-DNA position 1435, G replaced by T.
Protein change: p.Glu479Ter; replaces glutamic acid 479 with a stop codon.
Molecular consequence: nonsense. On other transcripts: non-coding transcript variant (1).
Genome position (GRCh38, 1-based): chr5:90,628,758, G>T. VCF-style: chr5-90628758-G-T. GRCh37 (hg19) VCF-style: chr5-89924575-G-T.
Other names: short protein forms E479*.
Identifiers: ClinVar variation 4724466 (VCV004724466.1).